The following is an entry in ClinVar:

NM_003482.4(KMT2D):c.16522-5_16522-2del

Gene: KMT2D (lysine methyltransferase 2D; minus strand). Cytogenetic location: 12q13.12.
Variant type: Deletion.
Coding change: c.16522-5_16522-2del on transcript NM_003482.4 (MANE Select); 5 bases into the intron before coding-DNA position 16522 through the canonical splice acceptor site of the intron before coding-DNA position 16522, 4 bases deleted (TTCA; older notation c.16522-5_16522-2delTTCA).
Molecular consequence: splice acceptor variant.
Genome position (GRCh38, 1-based): chr12:49,021,874-49,021,877, TGAA deleted on the plus strand (TTCA on the coding strand, the reverse complement: KMT2D is on the minus strand). VCF-style (leftmost placement, unchanged base first): chr12-49021873-CTGAA-C. GRCh37 (hg19) VCF-style: chr12-49415656-CTGAA-C.
Identifiers: ClinVar variation 1301886 (VCV001301886.1), dbSNP rs2137703007, ClinGen allele CA2573053676.
Genomic context (GRCh38, chr12:49,021,873, plus strand): 5'-ACAGTGGCAGGGGATCTTGTGCTGATCGTCCTCAAAATCAAACTGATAGTCATAGGTTAG[CTGAA>C]AAGAGAAGAGGGCAGAATCAATGCTAGTCCCCCACAGGAAGAGGGGAGGCCAGAGAAGAT-3'

ClinVar aggregate classification (germline): Pathogenic (1 of 4 stars; one submission).

Conditions:
Kabuki syndrome 1 (KABUK1). Also called: KMT2D-Related Kabuki Syndrome. Identifiers: Orphanet 2322, MedGen CN030661, MONDO:0007843, OMIM 147920.

Submission:

Rady Children's Institute for Genomic Medicine, Rady Children's Hospital San Diego
Classification: Pathogenic for KABUKI SYNDROME 1. Last evaluated: 2020-08-12. Review status: criteria provided, single submitter. Criteria: ACMG Guidelines, 2015. Collection method: clinical testing. Allele origin: germline. Affected: yes.
Comment: This variant affects the canonical splice acceptor site of intron 53 and is therefore predicted to interfere with splicing and result in loss of normal protein function through either protein truncation or nonsense-mediated mRNA decay (NMD). This variant has not been previously reported or functionally characterized in the literature to our knowledge. This alteration is located at the C-terminal portion of KMT2D that includes the SET domain with histone methyltransferase activity (PMID: 28669924). Other splicing alterations within intron 53 have been reported in individuals with Kabuki Syndrome (PMID: 28475860, 29304373). This variant is absent from the gnomAD population database and thus is presumed to be rare. Analysis of the parental samples was negative for the variant, indicating this variant likely occurred as a de novo event. Based on the available evidence, the c.16522-5_16522-2del variant is classified as Pathogenic.